The following is an entry in ClinVar:

ClinVar aggregate classification (germline): Uncertain significance (1 of 4 stars; one submission).

Submission:

Labcorp Genetics (formerly Invitae), Labcorp
Classification: Uncertain significance. Last evaluated: 2024-10-23. Review status: criteria provided, single submitter. Criteria: Invitae Variant Classification Sherloc (09022015). Collection method: clinical testing. Allele origin: germline.
Comment: This sequence change replaces glutamine, which is neutral and polar, with arginine, which is basic and polar, at codon 3793 of the FAT4 protein (p.Gln3793Arg). This variant is present in population databases (no rsID available, gnomAD 0.002%). This variant has not been reported in the literature in individuals affected with FAT4-related conditions. ClinVar contains an entry for this variant (Variation ID: 2095309). Invitae Evidence Modeling of protein sequence and biophysical properties (such as structural, functional, and spatial information, amino acid conservation, physicochemical variation, residue mobility, and thermodynamic stability) indicates that this missense variant is not expected to disrupt FAT4 protein function with a negative predictive value of 95%. In summary, the available evidence is currently insufficient to determine the role of this variant in disease. Therefore, it has been classified as a Variant of Uncertain Significance.

NM_001291303.3(FAT4):c.11384A>G (p.Gln3795Arg)

Gene: FAT4 (FAT atypical cadherin 4; plus strand). Cytogenetic location: 4q28.1.
Variant type: single nucleotide variant.
Coding change: c.11384A>G on transcript NM_001291303.3 (MANE Select); coding-DNA position 11384, A replaced by G.
Protein change: p.Gln3795Arg; replaces glutamine 3795 with arginine.
Molecular consequence: missense variant.
Genome position (GRCh38, 1-based): chr4:125,452,394, A>G. VCF-style: chr4-125452394-A-G. GRCh37 (hg19) VCF-style: chr4-126373549-A-G.
Other names: c.11384A>G, p.Gln3795Arg (NM_001291285.3); c.11378A>G, p.Gln3793Arg (NM_024582.6); short protein forms Q3795R, Q3793R.
Identifiers: ClinVar variation 2095309 (VCV002095309.4), dbSNP rs1346137362, ClinGen allele CA358162443.